The following is an entry in ClinVar:

ClinVar aggregate classification (germline): Likely pathogenic. Review status: criteria provided, single submitter (1 of 4 stars). 2 submissions from 2 submitters: Likely pathogenic (1). 1 of the submissions does not count toward it. Last evaluated 2025-03-05.

Conditions:
Tyrosinemia type I (TYRSN1). Also called: FAH DEFICIENCY; Tyrosinemia type 1; Fumarylacetoacetase deficiency; Deficiency of fumarylacetoacetase; HEPATORENAL TYROSINEMIA. Identifiers: Orphanet 882, MedGen C0268490, MONDO:0010161, OMIM 276700. Disease mechanism: loss of function.

Submissions (2):

Natera, Inc.
Classification: Likely pathogenic for Tyrosinemia type I. Last evaluated: 2025-03-05. Review status: criteria provided, single submitter. Criteria: Natera Variant Classification Schema (03/2026). Collection method: clinical testing. Allele origin: germline.
Comment: The c.82_83del variant in FAH is a frameshift variant predicted to shift the reading frame beginning at codon 28 and leads to a stop codon 71 codons downstream. This variant is expected to result in nonsense mediated decay, truncation, or a dysfunctional protein product. This variant is rare in the general population with a frequency below the threshold expected for the associated phenotype(s). Given the available evidence, this variant is classified as Likely Pathogenic.

Bioscientia Institut fuer Medizinische Diagnostik GmbH, Sonic Healthcare
Classification: Pathogenic for Tyrosinemia type I. Last evaluated: 2018-11-23. Review status: no assertion criteria provided. Collection method: clinical testing. Allele origin: germline. Affected: yes. Not counted in ClinVar's aggregate classification.

NM_000137.4(FAH):c.82_83del (p.Pro28fs)

Gene: FAH (fumarylacetoacetate hydrolase; plus strand). Cytogenetic location: 15q25.1.
Variant type: Deletion.
Coding change: c.82_83del on transcript NM_000137.4 (MANE Select); coding-DNA positions 82 to 83, 2 bases deleted (CC; older notation c.82_83delCC).
Protein change: p.Pro28fs; shifts the reading frame from proline 28.
Molecular consequence: frameshift variant.
Genome position (GRCh38, 1-based): chr15:80,158,060-80,158,061, CC deleted. VCF-style (leftmost placement, unchanged base first): chr15-80158059-GCC-G. GRCh37 (hg19) VCF-style: chr15-80450401-GCC-G.
Other names: c.82_83delCC (NM_000137.2); c.82_83del, p.Pro28fs (NM_001374377.1, NM_001374380.1); c.82_83del (NM_000137.2); short protein forms P28fs.
Identifiers: ClinVar variation 635516 (VCV000635516.4), dbSNP rs1595889891, ClinGen allele CA913191261.